The following is an entry in ClinVar:

ClinVar aggregate classification (germline): Benign (1 of 4 stars; one submission).

Allele frequency attached by ClinVar (database versions not stated): 1000 Genomes Project 30x 0.68114; 1000 Genomes Project 0.68530; TOPMed 0.73177; gnomAD 0.74041 and 0.74273.
gnomAD v4.1: 113,132 of 152,198 alleles (74%); highest among the groups gnomAD compares: Non-Finnish European, 87%; 44,003 homozygotes.

Submission:

GeneDx
Classification: Benign. Last evaluated: 2018-06-16. Review status: criteria provided, single submitter. Criteria: GeneDx Variant Classification (06012015). Collection method: clinical testing. Allele origin: germline. Affected: yes.
Comment: This variant is considered likely benign or benign based on one or more of the following criteria: it is a conservative change, it occurs at a poorly conserved position in the protein, it is predicted to be benign by multiple in silico algorithms, and/or has population frequency not consistent with disease.

NM_006031.6(PCNT):c.1937-183G>A

Gene: PCNT (pericentrin; plus strand). Cytogenetic location: 21q22.3.
Variant type: single nucleotide variant.
Coding change: c.1937-183G>A on transcript NM_006031.6 (MANE Select); 183 bases into the intron before coding-DNA position 1937, G replaced by A.
Molecular consequence: intron variant.
Genome position (GRCh38, 1-based): chr21:46,356,791, G>A. VCF-style: chr21-46356791-G-A. GRCh37 (hg19) VCF-style: chr21-47776706-G-A.
Other names: c.1583-183G>A (NM_001315529.2).
Identifiers: ClinVar variation 667796 (VCV000667796.1), dbSNP rs2839222, ClinGen allele CA14875626.